The following is an entry in ClinVar:

NM_000057.4(BLM):c.2735G>A (p.Gly912Glu)

Gene: BLM (BLM RecQ like helicase; plus strand). Cytogenetic location: 15q26.1.
Variant type: single nucleotide variant.
Coding change: c.2735G>A on transcript NM_000057.4 (MANE Select); coding-DNA position 2735, G replaced by A.
Protein change: p.Gly912Glu; replaces glycine 912 with glutamic acid.
Molecular consequence: missense variant.
Genome position (GRCh38, 1-based): chr15:90,784,993, G>A. VCF-style: chr15-90784993-G-A. GRCh37 (hg19) VCF-style: chr15-91328223-G-A.
Other names: c.2735G>A, p.Gly912Glu (NM_001287246.2, NM_001287247.2); c.1610G>A, p.Gly537Glu (NM_001287248.2); short protein forms G537E, G912E.
Identifiers: ClinVar variation 1498619 (VCV001498619.8), dbSNP rs2151179803, ClinGen allele CA393845999.

ClinVar aggregate classification (germline): Uncertain significance. Review status: criteria provided, multiple submitters, no conflicts (2 of 4 stars). 2 submissions from 2 submitters: Uncertain significance (2). Last evaluated 2025-07-02.

Conditions:
Hereditary cancer-predisposing syndrome. Also called: Tumor predisposition; Hereditary neoplastic syndrome; Neoplastic Syndromes, Hereditary; Hereditary Cancer Syndrome. Identifiers: Orphanet 140162, MedGen C0027672, MeSH D009386, MONDO:0015356.
Bloom syndrome (BLM). Also called: Bloom-Torre-Machacek syndrome. Identifiers: Orphanet 125, MedGen C0005859, MONDO:0008876, OMIM 210900.

gnomAD v4.1: 1 of 1,614,094 alleles (0.000062%); no homozygotes.

Submissions (2):

Labcorp Genetics (formerly Invitae), Labcorp
Classification: Uncertain significance for Bloom syndrome. Last evaluated: 2025-07-02. Review status: criteria provided, single submitter. Criteria: Invitae Variant Classification Sherloc (09022015). Collection method: clinical testing. Allele origin: germline.
Comment: This sequence change replaces glycine, which is neutral and non-polar, with glutamic acid, which is acidic and polar, at codon 912 of the BLM protein (p.Gly912Glu). This variant is not present in population databases (gnomAD no frequency). This variant has not been reported in the literature in individuals affected with BLM-related conditions. ClinVar contains an entry for this variant (Variation ID: 1498619). Invitae Evidence Modeling of protein sequence and biophysical properties (such as structural, functional, and spatial information, amino acid conservation, physicochemical variation, residue mobility, and thermodynamic stability) indicates that this missense variant is expected to disrupt BLM protein function with a positive predictive value of 80%. In summary, the available evidence is currently insufficient to determine the role of this variant in disease. Therefore, it has been classified as a Variant of Uncertain Significance.

Ambry Genetics
Classification: Uncertain significance for Hereditary cancer-predisposing syndrome. Last evaluated: 2024-11-20. Review status: criteria provided, single submitter. Criteria: Ambry Variant Classification Scheme 2023. Collection method: clinical testing. Allele origin: germline.
Comment: The p.G912E variant (also known as c.2735G>A), located in coding exon 13 of the BLM gene, results from a G to A substitution at nucleotide position 2735. The glycine at codon 912 is replaced by glutamic acid, an amino acid with similar properties. This amino acid position is conserved. In addition, this alteration is predicted to be deleterious by in silico analysis. Since supporting evidence is limited at this time, the clinical significance of this alteration remains unclear.